The following is an entry in ClinVar:

ClinVar aggregate classification (germline): Uncertain significance. Review status: criteria provided, multiple submitters, no conflicts (2 of 4 stars). 2 submissions from 2 submitters: Uncertain significance (2). Last evaluated 2025-08-28.

Conditions:
Inborn genetic diseases. Identifiers: MedGen C0950123, MeSH D030342.

Submissions (2):

Ambry Genetics
Classification: Uncertain significance for Inborn genetic diseases. Last evaluated: 2025-08-28. Review status: criteria provided, single submitter. Criteria: Ambry Variant Classification Scheme 2023. Collection method: clinical testing. Allele origin: germline.

GeneDx
Classification: Uncertain significance. Last evaluated: 2023-06-19. Review status: criteria provided, single submitter. Criteria: GeneDx Variant Classification Process June 2021. Collection method: clinical testing. Allele origin: germline. Affected: yes.
Comment: Not observed at significant frequency in large population cohorts (gnomAD); In silico analysis supports that this missense variant has a deleterious effect on protein structure/function; Has not been previously published as pathogenic or benign to our knowledge

NM_001394998.1(TANC2):c.2230G>C (p.Val744Leu)

Gene: TANC2 (tetratricopeptide repeat, ankyrin repeat and coiled-coil containing 2; plus strand). Cytogenetic location: 17q23.3.
Variant type: single nucleotide variant.
Coding change: c.2230G>C on transcript NM_001394998.1 (MANE Select); coding-DNA position 2230, G replaced by C.
Protein change: p.Val744Leu; replaces valine 744 with leucine.
Molecular consequence: missense variant.
Genome position (GRCh38, 1-based): chr17:63,355,038, G>C. VCF-style: chr17-63355038-G-C. GRCh37 (hg19) VCF-style: chr17-61432399-G-C.
Other names: c.2008G>C, p.Val670Leu (NM_001411076.1, NM_025185.4); short protein forms V670L, V744L.
Identifiers: ClinVar variation 3360089 (VCV003360089.2).